The following is an entry in ClinVar:

NM_001104631.2(PDE4D):c.40A>C (p.Ser14Arg)

Gene: PDE4D (phosphodiesterase 4D; minus strand). Cytogenetic location: 5q12.1.
Variant type: single nucleotide variant.
Coding change: c.40A>C on transcript NM_001104631.2 (MANE Select); coding-DNA position 40, A replaced by C.
Protein change: p.Ser14Arg; replaces serine 14 with arginine.
Molecular consequence: missense variant. On other transcripts: intron variant (5).
Genome position (GRCh38, 1-based): chr5:59,893,583, T>G on the plus strand (A>C on the coding strand, the complement: PDE4D is on the minus strand). VCF-style: chr5-59893583-T-G. GRCh37 (hg19) VCF-style: chr5-59189410-T-G.
Other names: c.272+94905A>C (NM_001364599.1, NM_001165899.2, NM_001364600.2); c.-240+94905A>C (NM_001349243.2); c.242+94905A>C (NM_001349241.2); short protein forms S14R.
Identifiers: ClinVar variation 3008806 (VCV003008806.3), dbSNP rs1225337341, ClinGen allele CA359933226.
Genomic context (GRCh38, chr5:59,893,583, plus strand): 5'-TCCAGAGATGCTTGGGGGCTTTGAGCGTGGCCCCGCCGGCGCTGTCGCTGCCCTCTCCGC[T>G]GCCCGCCCGGGCCGGCGCGCTGCTGCCCTCTGCCTCCATCCTGGCTCGCGGCTCCGCGAC-3'
Protein context (NP_001098101.1, residues 4-24): EGSSAPARAG[Ser14Arg]GEGSDSAGGA

ClinVar aggregate classification (germline): Uncertain significance (1 of 4 stars; one submission).

Allele frequency attached by ClinVar (database versions not stated): gnomAD 0.00001.
gnomAD v4.1: 2 of 1,524,000 alleles (0.00013%); highest among the groups gnomAD compares: East Asian, 0.0026%; no homozygotes.

Submission:

Labcorp Genetics (formerly Invitae), Labcorp
Classification: Uncertain significance. Last evaluated: 2023-12-02. Review status: criteria provided, single submitter. Criteria: Invitae Variant Classification Sherloc (09022015). Collection method: clinical testing. Allele origin: germline.
Comment: This sequence change replaces serine, which is neutral and polar, with arginine, which is basic and polar, at codon 14 of the PDE4D protein (p.Ser14Arg). This variant is present in population databases (no rsID available, gnomAD 0.06%). This variant has not been reported in the literature in individuals affected with PDE4D-related conditions. Experimental studies and prediction algorithms are not available or were not evaluated, and the functional significance of this variant is currently unknown. In summary, the available evidence is currently insufficient to determine the role of this variant in disease. Therefore, it has been classified as a Variant of Uncertain Significance.